The following is an entry in ClinVar:

NM_032930.3(CFAP300):c.115A>T (p.Met39Leu)

Gene: CFAP300 (cilia and flagella associated protein 300; plus strand). Cytogenetic location: 11q22.1.
Variant type: single nucleotide variant.
Coding change: c.115A>T on transcript NM_032930.3 (MANE Select); coding-DNA position 115, A replaced by T.
Protein change: p.Met39Leu; replaces methionine 39 with leucine.
Molecular consequence: missense variant.
Genome position (GRCh38, 1-based): chr11:102,047,819, A>T. VCF-style: chr11-102047819-A-T. GRCh37 (hg19) VCF-style: chr11-101918550-A-T.
Other names: c.115A>T, p.Met39Leu (NM_001441266.1, NM_001441267.1, NM_001441268.1 and 5 more transcripts); short protein forms M39L.
Identifiers: ClinVar variation 4759551 (VCV004759551.1).

ClinVar aggregate classification (germline): Uncertain significance (1 of 4 stars; one submission).

Submission:

Labcorp Genetics (formerly Invitae), Labcorp
Classification: Uncertain significance. Last evaluated: 2025-10-03. Review status: criteria provided, single submitter. Criteria: Invitae Variant Classification Sherloc (09022015). Collection method: clinical testing. Allele origin: germline.
Comment: This sequence change replaces methionine, which is neutral and non-polar, with leucine, which is neutral and non-polar, at codon 39 of the C11orf70 protein (p.Met39Leu). This variant is not present in population databases (gnomAD no frequency). This variant has not been reported in the literature in individuals affected with C11orf70-related conditions. Invitae Evidence Modeling of protein sequence and biophysical properties (such as structural, functional, and spatial information, amino acid conservation, physicochemical variation, residue mobility, and thermodynamic stability) indicates that this missense variant is not expected to disrupt C11orf70 protein function with a negative predictive value of 80%. In summary, the available evidence is currently insufficient to determine the role of this variant in disease. Therefore, it has been classified as a Variant of Uncertain Significance.